The following is an entry in ClinVar:

NM_001378778.1(MPDZ):c.3820_3821del (p.Leu1274fs)

Gene: MPDZ (multiple PDZ domain crumbs cell polarity complex component; minus strand). Cytogenetic location: 9p23.
Variant type: Microsatellite.
Coding change: c.3820_3821del on transcript NM_001378778.1 (MANE Select); coding-DNA positions 3820 to 3821, 2 bases deleted (CT; older notation c.3820_3821delCT).
Protein change: p.Leu1274fs; shifts the reading frame from leucine 1274.
Molecular consequence: frameshift variant. On other transcripts: intron variant (14).
Genome position (GRCh38, 1-based): chr9:13,143,485-13,143,486, AG deleted on the plus strand (CT on the coding strand, the reverse complement: MPDZ is on the minus strand); deleting any 2 consecutive bases within chr9:13,143,485-13,143,490 gives the same sequence; the c. name uses the placement nearest the transcript's 3' end. VCF-style (leftmost placement, unchanged base first): chr9-13143484-TAG-T. GRCh37 (hg19) VCF-style: chr9-13143483-TAG-T.
Other names: c.3820_3821del (NM_003829.4); c.3820_3821del, p.Leu1274fs (NM_001330637.2, NM_001375413.1, NM_003829.5); c.3631-3341CT[2] (NM_001375425.1, NM_001375420.1, NM_001375423.1 and 4 more transcripts); c.3742-3341CT[2] (NM_001375419.1, NM_001375416.1, NM_001375418.1 and 3 more transcripts); c.3433-3341CT[2] (NM_001375427.1); short protein forms L1274fs.
Identifiers: ClinVar variation 1374316 (VCV001374316.10), dbSNP rs751161649, ClinGen allele CA4986962.

ClinVar aggregate classification (germline): Pathogenic/Likely pathogenic. Review status: criteria provided, multiple submitters, no conflicts (2 of 4 stars). 4 submissions from 4 submitters: Pathogenic (1); Likely pathogenic (3). Last evaluated 2024-02-24.

Conditions:
Hydrocephalus, nonsyndromic, autosomal recessive 2. Also called: Hydrocephalus, congenital, 2, with or without brain or eye anomalies. Identifiers: Orphanet 2185, MedGen C3554691, MONDO:0014085, OMIM 615219.

Submissions (4):

Labcorp Genetics (formerly Invitae), Labcorp
Classification: Pathogenic. Last evaluated: 2024-02-24. Review status: criteria provided, single submitter. Criteria: Invitae Variant Classification Sherloc (09022015). Collection method: clinical testing. Allele origin: germline.
Comment: This sequence change creates a premature translational stop signal (p.Leu1274Thrfs*36) in the MPDZ gene. It is expected to result in an absent or disrupted protein product. Loss-of-function variants in MPDZ are known to be pathogenic (PMID: 23240096, 28556411). This variant is present in population databases (rs751161649, gnomAD 0.02%). This variant has not been reported in the literature in individuals affected with MPDZ-related conditions. ClinVar contains an entry for this variant (Variation ID: 1374316). For these reasons, this variant has been classified as Pathogenic.

Baylor Genetics
Classification: Likely pathogenic for Hydrocephalus, nonsyndromic, autosomal recessive 2. Last evaluated: 2023-04-04. Review status: criteria provided, single submitter. Criteria: ACMG Guidelines, 2015. Collection method: clinical testing. Allele origin: unknown.

Department of Pathology and Laboratory Medicine, Sinai Health System
Classification: Likely pathogenic for Hydrocephalus, nonsyndromic, autosomal recessive 2. Last evaluated: 2023-01-18. Review status: criteria provided, single submitter. Criteria: ACMG Guidelines, 2015. Collection method: research. Allele origin: germline.

Revvity Omics, Revvity
Classification: Likely pathogenic for Hydrocephalus, nonsyndromic, autosomal recessive 2. Last evaluated: 2022-05-24. Review status: criteria provided, single submitter. Criteria: ACMG Guidelines, 2015. Collection method: clinical testing. Allele origin: germline.

Literature cited by the submitters: PubMed 23240096 (cited by Labcorp Genetics (formerly Invitae), Labcorp); PubMed 28556411 (cited by Labcorp Genetics (formerly Invitae), Labcorp).